The following is an entry in ClinVar:

NM_001009944.3(PKD1):c.10307_10329del (p.Gln3436fs)

Gene: PKD1 (polycystin 1, transient receptor potential channel interacting; minus strand). Cytogenetic location: 16p13.3.
Variant type: Deletion.
Coding change: c.10307_10329del on transcript NM_001009944.3 (MANE Select); coding-DNA positions 10307 to 10329, 23 bases deleted (AGCTGGCACGGGGCCAGGCGGGC).
Protein change: p.Gln3436fs; shifts the reading frame from glutamine 3436.
Molecular consequence: frameshift variant.
Genome position (GRCh38, 1-based): chr16:2,097,395-2,097,417, GCCCGCCTGGCCCCGTGCCAGCT deleted on the plus strand (AGCTGGCACGGGGCCAGGCGGGC on the coding strand, the reverse complement: PKD1 is on the minus strand); deleting any 23 consecutive bases within chr16:2,097,395-2,097,420 gives the same sequence; the c. name uses the placement nearest the transcript's 3' end. VCF-style (leftmost placement, unchanged base first): chr16-2097394-GGCCCGCCTGGCCCCGTGCCAGCT-G. GRCh37 (hg19) VCF-style: chr16-2147395-GGCCCGCCTGGCCCCGTGCCAGCT-G.
Other names: c.10304_10326del, p.Gln3435fs (NM_000296.4); short protein forms Q3435fs, Q3436fs.
Identifiers: ClinVar variation 3068418 (VCV003068418.1), dbSNP rs2544688079, ClinGen allele CA2825002361.

ClinVar aggregate classification (germline): Pathogenic (1 of 4 stars; one submission).

Conditions:
Polycystic kidney disease, adult type (PKD1). Also called: Polycystic Kidney, Autosomal Dominant; POLYCYSTIC KIDNEY DISEASE 1 WITH OR WITHOUT POLYCYSTIC LIVER DISEASE; Polycystic Kidney Disease 1, Autosomal Dominant; Polycystic kidney disease 1; Polycystic kidney disease 1, severe; POLYCYSTIC KIDNEY DISEASE, ADULT, TYPE I. Identifiers: MedGen C3149841, MONDO:0008263, OMIM 173900.

Submission:

MVZ Medizinische Genetik Mainz
Classification: Pathogenic for Polycystic kidney disease, adult type. Last evaluated: 2022-11-29. Review status: criteria provided, single submitter. Criteria: UK Practice Guidelines For Variant Classification V4 01 2020. Collection method: clinical testing. Allele origin: germline. Inheritance: Autosomal dominant inheritance. Affected: yes. Observed: 1 variant allele.
Comment: ACMG Criteria: PVS1, PM2_SUP, PP4